The following is an entry in ClinVar:

NM_003072.5(SMARCA4):c.4569C>A (p.Asn1523Lys)

Gene: SMARCA4 (SWI/SNF related BAF chromatin remodeling complex subunit ATPase 4; plus strand). Cytogenetic location: 19p13.2.
Variant type: single nucleotide variant.
Coding change: c.4569C>A on transcript NM_003072.5 (MANE Select); coding-DNA position 4569, C replaced by A.
Protein change: p.Asn1523Lys; replaces asparagine 1523 with lysine.
Molecular consequence: missense variant. On other transcripts: non-coding transcript variant (1).
Genome position (GRCh38, 1-based): chr19:11,058,823, C>A. VCF-style: chr19-11058823-C-A. GRCh37 (hg19) VCF-style: chr19-11169499-C-A.
Other names: c.4569C>A, p.Asn1523Lys (NM_001128844.3); c.4479C>A, p.Asn1493Lys (NM_001128845.2); c.4476C>A, p.Asn1492Lys (NM_001128846.2); c.4470C>A, p.Asn1490Lys (NM_001128847.4, NM_001374457.1); c.4467C>A, p.Asn1489Lys (NM_001128848.2); c.4665C>A, p.Asn1555Lys (NM_001128849.3, NM_001387283.1); short protein forms N1489K, N1493K, N1490K, N1492K, N1523K, N1555K.
Identifiers: ClinVar variation 650343 (VCV000650343.8), dbSNP rs34389675, ClinGen allele CA404078823.

ClinVar aggregate classification (germline): Uncertain significance. Review status: criteria provided, multiple submitters, no conflicts (2 of 4 stars). 3 submissions from 3 submitters: Uncertain significance (3). Last evaluated 2025-01-17.

Conditions:
Hereditary cancer-predisposing syndrome. Also called: Neoplastic Syndromes, Hereditary; Tumor predisposition; Hereditary Cancer Syndrome; Hereditary neoplastic syndrome. Identifiers: Orphanet 140162, MedGen C0027672, MeSH D009386, MONDO:0015356.
Rhabdoid tumor predisposition syndrome 2 (RTPS2). Identifiers: Orphanet 231108, Orphanet 69077, MedGen C2750074, MONDO:0013224, OMIM 613325.

gnomAD v4.1: 1 of 1,614,020 alleles (0.000062%); highest among the groups gnomAD compares: African/African-American, 0.0013%; no homozygotes.

Submissions (3):

Quest Diagnostics Nichols Institute San Juan Capistrano
Classification: Uncertain significance. Last evaluated: 2025-01-17. Review status: criteria provided, single submitter. Criteria: Quest Diagnostics criteria. Collection method: clinical testing. Allele origin: unknown.
Comment: The SMARCA4 c.4665C>A (p.Asn1555Lys) variant has not been reported in individuals with SMARCA4-related conditions in the published literature. The frequency of this variant in the general population (Genome Aggregation Database) is uninformative in the assessment of its pathogenicity. Analysis of this variant using bioinformatics tools for the prediction of the effect of amino acid changes on protein structure and function yielded conflicting predictions that this variant is benign or damaging. Based on the available information, we are unable to determine the clinical significance of this variant.

Ambry Genetics
Classification: Uncertain significance for Hereditary cancer-predisposing syndrome. Last evaluated: 2024-08-04. Review status: criteria provided, single submitter. Criteria: Ambry Variant Classification Scheme 2023. Collection method: clinical testing. Allele origin: germline.
Comment: The p.N1555K variant (also known as c.4665C>A), located in coding exon 32 of the SMARCA4 gene, results from a C to A substitution at nucleotide position 4665. The asparagine at codon 1555 is replaced by lysine, an amino acid with similar properties. This amino acid position is conserved. In addition, this alteration is predicted to be tolerated by in silico analysis. Based on the available evidence, the clinical significance of this variant remains unclear.

Labcorp Genetics (formerly Invitae), Labcorp
Classification: Uncertain significance for Rhabdoid tumor predisposition syndrome 2. Last evaluated: 2024-07-17. Review status: criteria provided, single submitter. Criteria: Invitae Variant Classification Sherloc (09022015). Collection method: clinical testing. Allele origin: germline.
Comment: This sequence change replaces asparagine, which is neutral and polar, with lysine, which is basic and polar, at codon 1555 of the SMARCA4 protein (p.Asn1555Lys). The frequency data for this variant in the population databases is considered unreliable, as metrics indicate poor data quality at this position in the gnomAD database. This variant has not been reported in the literature in individuals affected with SMARCA4-related conditions. ClinVar contains an entry for this variant (Variation ID: 650343). Advanced modeling of protein sequence and biophysical properties (such as structural, functional, and spatial information, amino acid conservation, physicochemical variation, residue mobility, and thermodynamic stability) performed at Invitae indicates that this missense variant is not expected to disrupt SMARCA4 protein function with a negative predictive value of 95%. In summary, the available evidence is currently insufficient to determine the role of this variant in disease. Therefore, it has been classified as a Variant of Uncertain Significance.